The following is an entry in ClinVar:

NM_030631.4(SLC25A21):c.494del (p.Leu165fs)

Gene: SLC25A21 (solute carrier family 25 member 21; minus strand). Cytogenetic location: 14q13.3.
Variant type: Deletion.
Coding change: c.494del on transcript NM_030631.4 (MANE Select); coding-DNA position 494, one base deleted (T; older notation c.494delT).
Protein change: p.Leu165fs; shifts the reading frame from leucine 165.
Molecular consequence: frameshift variant.
Genome position (GRCh38, 1-based): chr14:36,711,427, A deleted on the plus strand (T on the coding strand, the reverse complement: SLC25A21 is on the minus strand). VCF-style (leftmost placement, unchanged base first): chr14-36711426-GA-G. GRCh37 (hg19) VCF-style: chr14-37180631-GA-G.
Other names: c.494del, p.Leu165fs (NM_001171170.2); short protein forms L165fs.
Identifiers: ClinVar variation 1957111 (VCV001957111.5), dbSNP rs2502385943, ClinGen allele CA2580088072.

ClinVar aggregate classification (germline): Uncertain significance (1 of 4 stars; one submission).

Submission:

Labcorp Genetics (formerly Invitae), Labcorp
Classification: Uncertain significance. Last evaluated: 2022-08-31. Review status: criteria provided, single submitter. Criteria: Invitae Variant Classification Sherloc (09022015). Collection method: clinical testing. Allele origin: germline.
Comment: This variant has not been reported in the literature in individuals affected with SLC25A21-related conditions. In summary, the available evidence is currently insufficient to determine the role of this variant in disease. Therefore, it has been classified as a Variant of Uncertain Significance. This variant is not present in population databases (gnomAD no frequency). This sequence change creates a premature translational stop signal (p.Leu165Profs*8) in the SLC25A21 gene. It is expected to result in an absent or disrupted protein product. However, the current clinical and genetic evidence is not sufficient to establish whether loss-of-function variants in SLC25A21 cause disease.